The following is an entry in ClinVar:

ClinVar aggregate classification (germline): Likely benign. Review status: criteria provided, multiple submitters, no conflicts (2 of 4 stars). 3 submissions from 3 submitters: Likely benign (3). Last evaluated 2026-08-04.

Conditions:
HK1-related disorder. Also called: HK1-related disorders; HK1-related condition.

Allele frequency attached by ClinVar (database versions not stated): gnomAD exomes below 0.00001 and 0.00001; gnomAD 0.00003; TOPMed 0.00006.
gnomAD v4.1: 13 of 1,612,722 alleles (0.00081%); highest among the groups gnomAD compares: African/African-American, 0.0093%; no homozygotes.

Submissions (3):

PreventionGenetics, part of Exact Sciences
Classification: Likely benign for HK1-related condition. Last evaluated: 2026-08-04. Review status: criteria provided, single submitter. Criteria: ACMG Guidelines, 2015. Collection method: clinical testing. Allele origin: germline.
Comment: This variant is classified as likely benign based on ACMG/AMP sequence variant interpretation guidelines (Richards et al. 2015 PMID: 25741868, with internal and published modifications).

Labcorp Genetics (formerly Invitae), Labcorp
Classification: Likely benign. Last evaluated: 2025-01-25. Review status: criteria provided, single submitter. Criteria: Invitae Variant Classification Sherloc (09022015). Collection method: clinical testing. Allele origin: germline.

Blueprint Genetics
Classification: Likely benign. Last evaluated: 2024-01-18. Review status: criteria provided, single submitter. Criteria: ACMG Guidelines, 2015. Collection method: clinical testing. Allele origin: germline.

NM_000188.3(HK1):c.597T>C (p.Tyr199=)

Gene: HK1 (hexokinase 1; plus strand). Cytogenetic location: 10q22.1.
Variant type: single nucleotide variant.
Coding change: c.597T>C on transcript NM_000188.3 (MANE Select); coding-DNA position 597, T replaced by C.
Protein change: p.Tyr199=; no amino-acid change (tyrosine 199 retained).
Molecular consequence: synonymous variant.
Genome position (GRCh38, 1-based): chr10:69,369,242, T>C. VCF-style: chr10-69369242-T-C. GRCh37 (hg19) VCF-style: chr10-71128998-T-C.
Other names: c.609T>C, p.Tyr203= (NM_001322364.2, NM_001358263.1, NM_033497.3 and 1 more transcripts); c.702T>C, p.Tyr234= (NM_001322365.2); c.513T>C, p.Tyr171= (NM_001322366.1); c.501T>C, p.Tyr167= (NM_001322367.1); c.594T>C, p.Tyr198= (NM_033496.3); c.561T>C, p.Tyr187= (NM_033500.2); c.597T>C (NM_000188.2).
Identifiers: ClinVar variation 1653610 (VCV001653610.10), dbSNP rs966026107, ClinGen allele CA209238609.